The following is an entry in ClinVar:

NM_017617.5(NOTCH1):c.3706C>T (p.Pro1236Ser)

Gene: NOTCH1 (notch receptor 1; minus strand). Cytogenetic location: 9q34.3.
Variant type: single nucleotide variant.
Coding change: c.3706C>T on transcript NM_017617.5 (MANE Select); coding-DNA position 3706, C replaced by T.
Protein change: p.Pro1236Ser; replaces proline 1236 with serine.
Molecular consequence: missense variant.
Genome position (GRCh38, 1-based): chr9:136,506,911, G>A on the plus strand (C>T on the coding strand, the complement: NOTCH1 is on the minus strand). VCF-style: chr9-136506911-G-A. GRCh37 (hg19) VCF-style: chr9-139401363-G-A.
Other names: c.3706C>T, p.Pro1236Ser (LRG_1122t1); short protein forms P1236S.
Identifiers: ClinVar variation 477919 (VCV000477919.10), dbSNP rs749988739, ClinGen allele CA5340817.

ClinVar aggregate classification (germline): Conflicting classifications of pathogenicity. Review status: criteria provided, conflicting classifications (1 of 4 stars). 2 submissions from 2 submitters: Uncertain significance (1); Benign (1). Last evaluated 2025-11-04.

Conditions:
Adams-Oliver syndrome 5 (AOS5). Identifiers: Orphanet 974, MedGen C4014970, MONDO:0014459, OMIM 616028.

Allele frequency attached by ClinVar (database versions not stated): gnomAD 0.00001; TOPMed 0.00001; ExAC 0.00002; gnomAD exomes 0.00002.

Submissions (2):

Labcorp Genetics (formerly Invitae), Labcorp
Classification: Benign for Adams-Oliver syndrome 5. Last evaluated: 2025-11-04. Review status: criteria provided, single submitter. Criteria: Invitae Variant Classification Sherloc (09022015). Collection method: clinical testing. Allele origin: germline.

GeneDx
Classification: Uncertain significance. Last evaluated: 2022-02-28. Review status: criteria provided, single submitter. Criteria: GeneDx Variant Classification Process June 2021. Collection method: clinical testing. Allele origin: germline. Affected: yes.
Comment: Has been reported as a variant of uncertain significance in a patient with BAV and TAAD (Proost et al., 2015); Not observed at significant frequency in large population cohorts (gnomAD); In silico analysis supports that this missense variant has a deleterious effect on protein structure/function; This variant is associated with the following publications: (PMID: 25907466)